The following is an entry in ClinVar:

NM_001754.5(RUNX1):c.706A>G (p.Met236Val)

Gene: RUNX1 (RUNX family transcription factor 1; minus strand). Cytogenetic location: 21q22.12.
Variant type: single nucleotide variant.
Coding change: c.706A>G on transcript NM_001754.5 (MANE Select); coding-DNA position 706, A replaced by G.
Protein change: p.Met236Val; replaces methionine 236 with valine.
Molecular consequence: missense variant.
Genome position (GRCh38, 1-based): chr21:34,834,509, T>C on the plus strand (A>G on the coding strand, the complement: RUNX1 is on the minus strand). VCF-style: chr21-34834509-T-C. GRCh37 (hg19) VCF-style: chr21-36206806-T-C.
Other names: NM_001754.5(RUNX1):c.706A>G; p.Met236Val; c.706A>G (NM_001754.4); c.625A>G, p.Met209Val (NM_001001890.3, NM_001122607.2); short protein forms M209V, M236V.
Identifiers: ClinVar variation 1118048 (VCV001118048.9), dbSNP rs200430800, ClinGen allele CA10014371.

ClinVar aggregate classification (germline): Uncertain significance. Review status: reviewed by expert panel (3 of 4 stars). 3 submissions from 3 submitters: Uncertain significance (1). 2 of the submissions do not count toward it. Last evaluated 2022-08-23.

Conditions:
Inborn genetic diseases. Identifiers: MedGen C0950123, MeSH D030342.
Hereditary thrombocytopenia and hematologic cancer predisposition syndrome. Identifiers: Orphanet 71290, MedGen CN281654, MONDO:0011071.
Hereditary thrombocytopenia and hematological cancer predisposition syndrome associated with RUNX1. Also called: Familial Platelet Disorder with Propensity to Acute Myelogenous Leukemia; Familial thrombocytopenia with propensity to acute myelogenous leukemia; PLATELET DISORDER, ASPIRIN-LIKE; RUNX1 Familial Platelet Disorder with Associated Myeloid Malignancies. Identifiers: Orphanet 71290, MedGen C1832388, MeSH C563324, MONDO:0100083, OMIM 601399.

Allele frequency attached by ClinVar (database versions not stated): TOPMed below 0.00001; gnomAD exomes 0.00005 and 0.00013; ExAC 0.00011; gnomAD 0.00011 and 0.00012; 1000 Genomes Project 30x 0.00031; 1000 Genomes Project 0.00040.
gnomAD v4.1: 90 of 1,613,150 alleles (0.0056%); highest among the groups gnomAD compares: Admixed American, 0.0017%; no homozygotes.

Submissions (3):

ClinGen Myeloid Malignancy Variant Curation Expert Panel
Classification: Uncertain significance for Hereditary thrombocytopenia and hematologic cancer predisposition syndrome. Last evaluated: 2022-08-23. Review status: reviewed by expert panel. Criteria: ClinGen MyeloMalig ACMG Specifications v2. Collection method: curation. Allele origin: germline. Inheritance: Autosomal dominant inheritance.
Comment: NM_001754.5(RUNX1):c.706A>G (p.Met236Val) is a missense variant occurs at aa position 236 in RUNX1 (outside the conserved runt-homology domain, aa 89-204), and alters the codon from ATG > GTG, producing a p.Met236Val protein change. There are no other reported pathogenic variants at this same site, or with this same protein product. The other two single-nucleotide variants at this position (p.P236=, NM_001001890.3 and p.P236L, NM_001122607.2) are predicted as likely benign and a variant of uncertain significance, respectively. In silico prediction suggests a non-damaging protein effect, with a REVEL score of 0.558 (less than 0.88) and both SIFT and Polyphen predicting this change is tolerated. There is no evidence of splicing alteration, with SpliceAI predicting: Acceptor Loss 0.00, Donor loss 0.01 (-5bp), Acceptor gain 0.00, Donor gain 0.01 (1bp). This variant is present at low MAF in non-Finnish populations in gnomAD (Other, 0.00014, 1/7218 alleles) and ExAc (Latino, 0.00009, 1/11570 alleles). In summary, the clinical significance of this variant is uncertain. ACMG/AMP criteria applied, as specified by the Myeloid Malignancy Variant Curation Expert Panel for RUNX1: BP4

Labcorp Genetics (formerly Invitae), Labcorp
Classification: Likely benign for Hereditary thrombocytopenia and hematological cancer predisposition syndrome associated with RUNX1. Last evaluated: 2025-08-18. Review status: criteria provided, single submitter. Criteria: Invitae Variant Classification Sherloc (09022015). Collection method: clinical testing. Allele origin: germline. Not counted in ClinVar's aggregate classification.

Ambry Genetics
Classification: Uncertain significance for Inborn genetic diseases. Last evaluated: 2025-03-27. Review status: criteria provided, single submitter. Criteria: Ambry Variant Classification Scheme 2023. Collection method: clinical testing. Allele origin: germline. Not counted in ClinVar's aggregate classification.
Comment: The p.M236V variant (also known as c.706A>G), located in coding exon 6 of the RUNX1 gene, results from an A to G substitution at nucleotide position 706. The methionine at codon 236 is replaced by valine, an amino acid with highly similar properties. This amino acid position is well conserved in available vertebrate species. In addition, the in silico prediction for this alteration is inconclusive. Based on the available evidence, the clinical significance of this variant remains unclear.